The following is an entry in ClinVar:

ClinVar aggregate classification (germline): Uncertain significance (1 of 4 stars; one submission).

Conditions:
Long QT syndrome (LQTS). Identifiers: MedGen C0023976, MeSH D008133, MONDO:0002442. Disease mechanism: loss of function. Inheritance: Various modes of inheritance.

Allele frequency attached by ClinVar (database versions not stated): gnomAD exomes below 0.00001.
gnomAD v4.1: 2 of 1,613,168 alleles (0.00012%); highest among the groups gnomAD compares: Non-Finnish European, 0.00017%; no homozygotes.

Submission:

Labcorp Genetics (formerly Invitae), Labcorp
Classification: Uncertain significance for Long QT syndrome. Last evaluated: 2023-08-03. Review status: criteria provided, single submitter. Criteria: Invitae Variant Classification Sherloc (09022015). Collection method: clinical testing. Allele origin: germline.
Comment: In summary, the available evidence is currently insufficient to determine the role of this variant in disease. Therefore, it has been classified as a Variant of Uncertain Significance. Algorithms developed to predict the effect of sequence changes on RNA splicing suggest that this variant may disrupt the consensus splice site. This variant has not been reported in the literature in individuals affected with CACNA1C-related conditions. This variant is not present in population databases (gnomAD no frequency). This sequence change affects an acceptor splice site in intron 6 of the CACNA1C gene. It is expected to disrupt RNA splicing. Variants that disrupt the donor or acceptor splice site typically lead to a loss of protein function (PMID: 16199547), however the current clinical and genetic evidence is not sufficient to establish whether loss-of-function variants in CACNA1C cause disease.

Literature cited by the submitters: PubMed 16199547.

NM_000719.7(CACNA1C):c.917-1G>A

Gene: CACNA1C (calcium voltage-gated channel subunit alpha1 C; plus strand). Cytogenetic location: 12p13.33.
Variant type: single nucleotide variant.
Coding change: c.917-1G>A on transcript NM_000719.7 (MANE Select); the canonical splice acceptor site of the intron before coding-DNA position 917, G replaced by A.
Molecular consequence: splice acceptor variant. On other transcripts: intron variant (1).
Genome position (GRCh38, 1-based): chr12:2,493,189, G>A. VCF-style: chr12-2493189-G-A. GRCh37 (hg19) VCF-style: chr12-2602355-G-A.
Other names: c.917-1G>A (NM_001167624.3, NM_001167623.2, NM_001167625.2 and 18 more transcripts); c.917-10G>A (NM_001129844.2).
Identifiers: ClinVar variation 2882207 (VCV002882207.3), dbSNP rs1250764193, ClinGen allele CA383369615.